The following is an entry in ClinVar:

NM_007294.4(BRCA1):c.3224A>G (p.Asn1075Ser)

Genes: BRCA1 (BRCA1 DNA repair associated; minus strand), LOC126862571 (BRD4-independent group 4 enhancer GRCh37_chr17:41243136-41244335; plus strand). Cytogenetic location: 17q21.31.
Variant type: single nucleotide variant.
Coding change: c.3224A>G on transcript NM_007294.4 (MANE Select); coding-DNA position 3224, A replaced by G.
Protein change: p.Asn1075Ser; replaces asparagine 1075 with serine.
Molecular consequence: missense variant. On other transcripts: intron variant (137).
Genome position (GRCh38, 1-based): chr17:43,092,307, T>C on the plus strand (A>G on the coding strand, the complement: BRCA1 is on the minus strand). VCF-style: chr17-43092307-T-C. GRCh37 (hg19) VCF-style: chr17-41244324-T-C.
Other names: c.2960A>G, p.Asn987Ser (NM_001407925.1, NM_001407926.1, NM_001407927.1 and 9 more transcripts); c.2957A>G, p.Asn986Ser (NM_001407930.1, NM_001407931.1, NM_001407932.1 and 2 more transcripts); c.3101A>G, p.Asn1034Ser (NM_001407937.1, NM_001407938.1, NM_001407939.1 and 19 more transcripts); c.3098A>G, p.Asn1033Ser (NM_001407940.1, NM_001407941.1, NM_001407649.1 and 11 more transcripts); c.3083A>G, p.Asn1028Ser (NM_001407942.1, NM_001407944.1, NM_001407945.1 and 29 more transcripts); c.3080A>G, p.Asn1027Ser (NM_001407943.1, NM_001407964.1, NM_001407740.1 and 20 more transcripts); c.2891A>G, p.Asn964Ser (NM_001407946.1, NM_001407947.1, NM_001407948.1 and 6 more transcripts); c.2888A>G, p.Asn963Ser (NM_001407954.1, NM_001407955.1, NM_001407956.1 and 1 more transcripts); and 41 more; short protein forms N1004S, N907S, N948S, N1027S, N1072S, N1074S, N987S, N1005S.
Identifiers: ClinVar variation 2818206 (VCV002818206.3), dbSNP rs2154336047, ClinGen allele CA10595533.
Genomic context (GRCh38, chr17:43,092,307, plus strand): 5'-TTATAGACCTCAGGTTGCAAAACCCCTAATCTAAGCATAGCATTCAATTTTGGCCCTCTG[T>C]TTCTACCTAGTTCTGCTTGAATGTTTTCATCACTGGAACCTATTTCATTAATACTGGAGC-3'
Protein context (NP_009225.1, residues 1065-1085): DENIQAELGR[Asn1075Ser]RGPKLNAMLR

ClinVar aggregate classification (germline): Uncertain significance (1 of 4 stars; one submission).

Conditions:
Hereditary breast ovarian cancer syndrome. Also called: Hereditary breast and ovarian cancer; BRCA1- and BRCA2-Associated Hereditary Breast and Ovarian Cancer; Hereditary breast and ovarian cancer syndrome; Breast and ovarian cancer; Hereditary breast and ovarian cancer syndrome (HBOC); Hereditary breast and/or ovarian cancer syndrome. Identifiers: Orphanet 145, MedGen C0677776, MeSH D061325, MONDO:0003582. Disease mechanism: loss of function.

Submission:

Labcorp Genetics (formerly Invitae), Labcorp
Classification: Uncertain significance for Hereditary breast ovarian cancer syndrome. Last evaluated: 2022-12-03. Review status: criteria provided, single submitter. Criteria: Invitae Variant Classification Sherloc (09022015). Collection method: clinical testing. Allele origin: germline.
Comment: This sequence change replaces asparagine, which is neutral and polar, with serine, which is neutral and polar, at codon 1075 of the BRCA1 protein (p.Asn1075Ser). In summary, the available evidence is currently insufficient to determine the role of this variant in disease. Therefore, it has been classified as a Variant of Uncertain Significance. Advanced modeling of protein sequence and biophysical properties (such as structural, functional, and spatial information, amino acid conservation, physicochemical variation, residue mobility, and thermodynamic stability) performed at Invitae indicates that this missense variant is not expected to disrupt BRCA1 protein function. This variant has not been reported in the literature in individuals affected with BRCA1-related conditions. This variant is not present in population databases (gnomAD no frequency).